The following is an entry in ClinVar:

ClinVar aggregate classification (germline): Benign/Likely benign. Review status: criteria provided, multiple submitters, no conflicts (2 of 4 stars). 2 submissions from 2 submitters: Benign (1); Likely benign (1). Last evaluated 2018-06-14.

Allele frequency attached by ClinVar (database versions not stated): gnomAD exomes 0.00042 and 0.00091; ExAC 0.00145; gnomAD 0.00422 and 0.00457; 1000 Genomes Project 0.00479; TOPMed 0.00493; ESP Exome Variant Server 0.00511; 1000 Genomes Project 30x 0.00531.

Submissions (2):

GeneDx
Classification: Likely benign. Last evaluated: 2018-06-14. Review status: criteria provided, single submitter. Criteria: GeneDx Variant Classification (06012015). Collection method: clinical testing. Allele origin: germline. Affected: yes.
Comment: This variant is considered likely benign or benign based on one or more of the following criteria: it is a conservative change, it occurs at a poorly conserved position in the protein, it is predicted to be benign by multiple in silico algorithms, and/or has population frequency not consistent with disease.

Eurofins Ntd Llc (ga)
Classification: Benign. Last evaluated: 2012-11-05. Review status: criteria provided, single submitter. Criteria: EGL Classification Definitions 2015. Collection method: clinical testing. Allele origin: germline. Observed: 2 variant alleles, 2 heterozygotes.

NM_004369.4(COL6A3):c.6592-27del

Gene: COL6A3 (collagen type VI alpha 3 chain; minus strand). Cytogenetic location: 2q37.3.
Variant type: Deletion.
Coding change: c.6592-27del on transcript NM_004369.4 (MANE Select); 27 bases into the intron before coding-DNA position 6592, one base deleted (C; older notation c.6592-27delC).
Molecular consequence: intron variant.
Genome position (GRCh38, 1-based): chr2:237,354,961, G deleted on the plus strand (C on the coding strand, the reverse complement: COL6A3 is on the minus strand). VCF-style (leftmost placement, unchanged base first): chr2-237354960-TG-T. GRCh37 (hg19) VCF-style: chr2-238263603-TG-T.
Other names: c.4771-27del (NM_057166.5); c.5974-27del (NM_057167.4); c.6592-27delC (NM_004369.3).
Identifiers: ClinVar variation 94964 (VCV000094964.5), dbSNP rs60436236, ClinGen allele CA147996.